The following continues an entry in ClinVar:

NM_025114.4(CEP290):c.4966G>T (p.Glu1656Ter)

Gene: CEP290. ClinVar aggregate classification (germline): Pathogenic/Likely pathogenic. Pathogenic (12); Likely pathogenic (1).

Submissions 11 to 14 of 14:

Broad Center for Mendelian Genomics, Broad Institute of MIT and Harvard
Classification: Pathogenic for Retinitis pigmentosa. Last evaluated: 2021-04-01. Review status: criteria provided, single submitter. Criteria: ACMG Guidelines, 2015. Collection method: curation. Allele origin: germline. Inheritance: Autosomal recessive inheritance. Affected: yes.
Comment: Based on this evidence we have classified this variant as Pathogenic. If you have any questions about the classification please reach out to the Pierce Lab.

Baylor Genetics
Classification: Pathogenic for Senior-Loken syndrome 6. Last evaluated: 2018-04-09. Review status: criteria provided, single submitter. Criteria: ACMG Guidelines, 2015. Collection method: clinical testing. Allele origin: paternal. Affected: yes.
Comment: This variant was determined to be pathogenic according to ACMG Guidelines, 2015 [PMID:25741868]. This variant has been previously reported in multiple patients as disease causing [PMID 16909394, 28497568]

Illumina Laboratory Services, Illumina
Classification: Likely pathogenic for CEP290-Related Disorders. Last evaluated: 2017-04-28. Review status: criteria provided, single submitter. Criteria: ICSL Variant Classification Criteria 09 May 2019. Collection method: clinical testing. Allele origin: germline.
Comment: The CEP290 c.4966G>T (p.Glu1656Ter) variant is a stop-gained variant predicted to result in a premature truncation of the protein. The p.Glu1656Ter variant has been reported in three studies in patients with CEP290-related disorders in which it is found in a total of four affected individuals with Leber congenital amaurosis including three in a compound heterozygous state, all with the same known pathogenic stop-gained variant on the second allele, and one in a heterozygous state (den Hollander et al. 2006; Walia et al. 2010; Halbritter et al. 2013). This variant has not been reported in the literature in individuals with other CEP290-related phenotypes. The p.Glu1656Ter variant was absent from 192 controls and is reported at a frequency of 0.00019 in the European (non-Finnish) population of the Exome Aggregation Consortium though this is based on only two alleles in a region of good sequence coverage so the variant is presumed rare. Due to the potential impact of stop-gained variants and the supporting evidence, the p.Glu1656Ter variant is classified as likely pathogenic for CEP290-related disorders. This variant was observed by ICSL as part of a predisposition screen in an ostensibly healthy population.

Retina International
No classification provided. Review status: no classification provided. Collection method: not provided. Allele origin: not provided. Not counted in ClinVar's aggregate classification.

Literature cited by the submitters: PubMed 16909394 (cited by 4 submitters); PubMed 17345604 (cited by Labcorp Genetics (formerly Invitae), Labcorp); PubMed 20690115 (cited by Labcorp Genetics (formerly Invitae), Labcorp); PubMed 20079931 (cited by Labcorp Genetics (formerly Invitae), Labcorp and Illumina Laboratory Services, Illumina); PubMed 23188109 (cited by Labcorp Genetics (formerly Invitae), Labcorp); PubMed 23559409 (cited by Labcorp Genetics (formerly Invitae), Labcorp and Illumina Laboratory Services, Illumina); PubMed 28497568 (cited by Labcorp Genetics (formerly Invitae), Labcorp and Baylor Genetics); PubMed 29398085 (cited by Victorian Clinical Genetics Services, Murdoch Childrens Research Institute); PubMed 29146704 (cited by Natera, Inc.); PubMed 34906470 (cited by Broad Center for Mendelian Genomics, Broad Institute of MIT and Harvard).